The following is an entry in ClinVar:

ClinVar aggregate classification (germline): Uncertain significance. Review status: criteria provided, multiple submitters, no conflicts (2 of 4 stars). 2 submissions from 2 submitters: Uncertain significance (2). Last evaluated 2025-12-29.

Conditions:
Inborn genetic diseases. Identifiers: MedGen C0950123, MeSH D030342.

Allele frequency attached by ClinVar (database versions not stated): gnomAD exomes 0.00001.
gnomAD v4.1: 17 of 1,613,906 alleles (0.0011%); highest among the groups gnomAD compares: Admixed American, 0.015%; no homozygotes.

Submissions (2):

Ambry Genetics
Classification: Uncertain significance for Inborn genetic diseases. Last evaluated: 2025-12-29. Review status: criteria provided, single submitter. Criteria: Ambry Variant Classification Scheme 2023. Collection method: clinical testing. Allele origin: germline.
Comment: The c.524G>A (p.S175N) alteration is located in exon 5 (coding exon 5) of the OSGEP gene. This alteration results from a G to A substitution at nucleotide position 524, causing the serine (S) at amino acid position 175 to be replaced by an asparagine (N). Based on data from gnomAD, the A allele has an overall frequency of 0.002% (5/251162) total alleles studied. The highest observed frequency was 0.015% (5/34582) of Latino alleles. Based on insufficient or conflicting evidence, the clinical significance of this alteration remains unclear.

Labcorp Genetics (formerly Invitae), Labcorp
Classification: Uncertain significance. Last evaluated: 2022-11-15. Review status: criteria provided, single submitter. Criteria: Invitae Variant Classification Sherloc (09022015). Collection method: clinical testing. Allele origin: germline.
Comment: This sequence change replaces serine, which is neutral and polar, with asparagine, which is neutral and polar, at codon 175 of the OSGEP protein (p.Ser175Asn). This variant is present in population databases (rs765090033, gnomAD 0.01%). In summary, the available evidence is currently insufficient to determine the role of this variant in disease. Therefore, it has been classified as a Variant of Uncertain Significance. Algorithms developed to predict the effect of missense changes on protein structure and function (SIFT, PolyPhen-2, Align-GVGD) all suggest that this variant is likely to be disruptive. ClinVar contains an entry for this variant (Variation ID: 1409127). This variant has not been reported in the literature in individuals affected with OSGEP-related conditions.

NM_017807.4(OSGEP):c.524G>A (p.Ser175Asn)

Gene: OSGEP (O-sialoglycoprotein endopeptidase; minus strand). Cytogenetic location: 14q11.2.
Variant type: single nucleotide variant.
Coding change: c.524G>A on transcript NM_017807.4 (MANE Select); coding-DNA position 524, G replaced by A.
Protein change: p.Ser175Asn; replaces serine 175 with asparagine.
Molecular consequence: missense variant.
Genome position (GRCh38, 1-based): chr14:20,448,997, C>T on the plus strand (G>A on the coding strand, the complement: OSGEP is on the minus strand). VCF-style: chr14-20448997-C-T. GRCh37 (hg19) VCF-style: chr14-20917156-C-T.
Other names: c.524G>A (NM_017807.3); short protein forms S175N.
Identifiers: ClinVar variation 1409127 (VCV001409127.9), dbSNP rs765090033, ClinGen allele CA7081185.